The following is an entry in ClinVar:

ClinVar aggregate classification (germline): Uncertain significance (1 of 4 stars; one submission).

Submission:

Labcorp Genetics (formerly Invitae), Labcorp
Classification: Uncertain significance. Last evaluated: 2025-06-11. Review status: criteria provided, single submitter. Criteria: Invitae Variant Classification Sherloc (09022015). Collection method: clinical testing. Allele origin: germline.
Comment: This sequence change replaces glutamic acid, which is acidic and polar, with lysine, which is basic and polar, at codon 333 of the TAOK2 protein (p.Glu333Lys). This variant is not present in population databases (gnomAD no frequency). This variant has not been reported in the literature in individuals affected with TAOK2-related conditions. An algorithm developed to predict the effect of missense changes on protein structure and function (PolyPhen-2) suggests that this variant is likely to be disruptive. In summary, the available evidence is currently insufficient to determine the role of this variant in disease. Therefore, it has been classified as a Variant of Uncertain Significance.

NM_016151.4(TAOK2):c.997G>A (p.Glu333Lys)

Gene: TAOK2 (TAO kinase 2; plus strand). Cytogenetic location: 16p11.2.
Variant type: single nucleotide variant.
Coding change: c.997G>A on transcript NM_016151.4 (MANE Select); coding-DNA position 997, G replaced by A.
Protein change: p.Glu333Lys; replaces glutamic acid 333 with lysine.
Molecular consequence: missense variant.
Genome position (GRCh38, 1-based): chr16:29,982,899, G>A. VCF-style: chr16-29982899-G-A. GRCh37 (hg19) VCF-style: chr16-29994220-G-A.
Other names: c.997G>A, p.Glu333Lys (NM_001252043.2, NM_004783.4); short protein forms E333K.
Identifiers: ClinVar variation 4721250 (VCV004721250.1).